The following is an entry in ClinVar:

NM_000079.4(CHRNA1):c.190G>A (p.Asp64Asn)

Gene: CHRNA1 (cholinergic receptor nicotinic alpha 1 subunit; minus strand). Cytogenetic location: 2q31.1.
Variant type: single nucleotide variant.
Coding change: c.190G>A on transcript NM_000079.4 (MANE Select); coding-DNA position 190, G replaced by A.
Protein change: p.Asp64Asn; replaces aspartic acid 64 with asparagine.
Molecular consequence: missense variant.
Genome position (GRCh38, 1-based): chr2:174,759,375, C>T on the plus strand (G>A on the coding strand, the complement: CHRNA1 is on the minus strand). VCF-style: chr2-174759375-C-T. GRCh37 (hg19) VCF-style: chr2-175624103-C-T.
Other names: c.190G>A, p.Asp64Asn (NM_001039523.3); short protein forms D64N.
Identifiers: ClinVar variation 3674001 (VCV003674001.2).

ClinVar aggregate classification (germline): Uncertain significance (1 of 4 stars; one submission).

Conditions:
Lethal multiple pterygium syndrome (LMPS). Identifiers: Orphanet 33108, MedGen C1854678, MONDO:0009668, OMIM 253290.

Submission:

Labcorp Genetics (formerly Invitae), Labcorp
Classification: Uncertain significance for Lethal multiple pterygium syndrome. Last evaluated: 2024-11-21. Review status: criteria provided, single submitter. Criteria: Invitae Variant Classification Sherloc (09022015). Collection method: clinical testing. Allele origin: germline.
Comment: This sequence change replaces aspartic acid, which is acidic and polar, with asparagine, which is neutral and polar, at codon 64 of the CHRNA1 protein (p.Asp64Asn). This variant is not present in population databases (gnomAD no frequency). This variant has not been reported in the literature in individuals affected with CHRNA1-related conditions. An algorithm developed to predict the effect of missense changes on protein structure and function (PolyPhen-2) suggests that this variant is likely to be tolerated. In summary, the available evidence is currently insufficient to determine the role of this variant in disease. Therefore, it has been classified as a Variant of Uncertain Significance.